The following is an entry in ClinVar:

ClinVar aggregate classification (germline): Uncertain significance (1 of 4 stars; one submission).

Conditions:
Developmental and epileptic encephalopathy, 42 (DEE42A). Also called: DEVELOPMENTAL AND EPILEPTIC ENCEPHALOPATHY 42A; EPILEPTIC ENCEPHALOPATHY, EARLY INFANTILE, 42A; Epileptic encephalopathy, early infantile, 42. Identifiers: MedGen C4310716, MONDO:0014917, OMIM 617106.
Episodic ataxia type 2 (EA2). Also called: ATAXIA, EPISODIC, WITH NYSTAGMUS; ATAXIA, FAMILIAL PAROXYSMAL; CEREBELLAR ATAXIA, PAROXYSMAL, ACETAZOLAMIDE-RESPONSIVE; CEREBELLOPATHY, HEREDITARY PAROXYSMAL; EPISODIC ATAXIA, NYSTAGMUS-ASSOCIATED; ACETAZOLAMIDE-RESPONSIVE HEREDITARY PAROXYSMAL CEREBELLAR ATAXIA. Identifiers: Orphanet 97, MedGen C1720416, MONDO:0007163, OMIM 108500.

Allele frequency attached by ClinVar (database versions not stated): gnomAD exomes below 0.00001.
gnomAD v4.1: 2 of 1,613,906 alleles (0.00012%); highest among the groups gnomAD compares: South Asian, 0.0011%; no homozygotes.

Submission:

Labcorp Genetics (formerly Invitae), Labcorp
Classification: Uncertain significance for Developmental and epileptic encephalopathy, 42; Episodic ataxia type 2. Last evaluated: 2020-11-21. Review status: criteria provided, single submitter. Criteria: Invitae Variant Classification Sherloc (09022015). Collection method: clinical testing. Allele origin: germline.
Comment: This sequence change replaces aspartic acid with valine at codon 2078 of the CACNA1A protein (p.Asp2078Val). The aspartic acid residue is moderately conserved and there is a large physicochemical difference between aspartic acid and valine. This variant is not present in population databases (ExAC no frequency). This variant has not been reported in the literature in individuals with CACNA1A-related conditions. Advanced modeling of protein sequence and biophysical properties (such as structural, functional, and spatial information, amino acid conservation, physicochemical variation, residue mobility, and thermodynamic stability) performed at Invitae indicates that this missense variant is not expected to disrupt CACNA1A protein function. In summary, the available evidence is currently insufficient to determine the role of this variant in disease. Therefore, it has been classified as a Variant of Uncertain Significance.

NM_001127222.2(CACNA1A):c.6230A>T (p.Asp2077Val)

Gene: CACNA1A (calcium voltage-gated channel subunit alpha1 A; minus strand). Cytogenetic location: 19p13.13.
Variant type: single nucleotide variant.
Coding change: c.6230A>T on transcript NM_001127222.2 (MANE Select); coding-DNA position 6230, A replaced by T.
Protein change: p.Asp2077Val; replaces aspartic acid 2077 with valine.
Molecular consequence: missense variant.
Genome position (GRCh38, 1-based): chr19:13,212,176, T>A on the plus strand (A>T on the coding strand, the complement: CACNA1A is on the minus strand). VCF-style: chr19-13212176-T-A. GRCh37 (hg19) VCF-style: chr19-13322990-T-A.
Other names: c.6248A>T, p.Asp2083Val (NM_000068.4, NM_023035.3); c.6233A>T, p.Asp2078Val (NM_001127221.2); c.6239A>T, p.Asp2080Val (NM_001174080.2); short protein forms D2080V, D2077V, D2078V, D2083V.
Identifiers: ClinVar variation 1476900 (VCV001476900.8), dbSNP rs2144523108, ClinGen allele CA404332386.